The following is an entry in ClinVar:

NM_003722.5(TP63):c.670G>C (p.Val224Leu)

Gene: TP63 (tumor protein p63; plus strand). Cytogenetic location: 3q28.
Variant type: single nucleotide variant.
Coding change: c.670G>C on transcript NM_003722.5 (MANE Select); coding-DNA position 670, G replaced by C.
Protein change: p.Val224Leu; replaces valine 224 with leucine.
Molecular consequence: missense variant.
Genome position (GRCh38, 1-based): chr3:189,864,322, G>C. VCF-style: chr3-189864322-G-C. GRCh37 (hg19) VCF-style: chr3-189582111-G-C.
Other names: c.670G>C, p.Val224Leu (NM_001114978.2, NM_001114979.2, NM_001329144.2 and 1 more transcripts); c.388G>C, p.Val130Leu (NM_001114980.2, NM_001114981.2, NM_001114982.2 and 2 more transcripts); c.133G>C, p.Val45Leu (NM_001329146.2, NM_001329150.2); c.664G>C, p.Val222Leu (NM_001329964.2); short protein forms V130L, V224L, V45L, V222L.
Identifiers: ClinVar variation 1391041 (VCV001391041.5), dbSNP rs757669482, ClinGen allele CA355753419.

ClinVar aggregate classification (germline): Uncertain significance (1 of 4 stars; one submission).

Conditions:
TP63-Related Spectrum Disorders.

Allele frequency attached by ClinVar (database versions not stated): TOPMed below 0.00001.

Submission:

Labcorp Genetics (formerly Invitae), Labcorp
Classification: Uncertain significance. Last evaluated: 2021-10-05. Review status: criteria provided, single submitter. Criteria: Invitae Variant Classification Sherloc (09022015). Collection method: clinical testing. Allele origin: germline.
Comment: This sequence change replaces valine with leucine at codon 224 of the TP63 protein (p.Val224Leu). The valine residue is highly conserved and there is a small physicochemical difference between valine and leucine. This variant is not present in population databases (ExAC no frequency). This variant has not been reported in the literature in individuals affected with TP63-related conditions. Algorithms developed to predict the effect of missense changes on protein structure and function (SIFT, PolyPhen-2, Align-GVGD) all suggest that this variant is likely to be tolerated. In summary, the available evidence is currently insufficient to determine the role of this variant in disease. Therefore, it has been classified as a Variant of Uncertain Significance.